The following is an entry in ClinVar:

NM_003036.4(SKI):c.2141G>A (p.Arg714His)

Gene: SKI (SKI proto-oncogene; plus strand). Cytogenetic location: 1p36.32.
Variant type: single nucleotide variant.
Coding change: c.2141G>A on transcript NM_003036.4 (MANE Select); coding-DNA position 2141, G replaced by A.
Protein change: p.Arg714His; replaces arginine 714 with histidine.
Molecular consequence: missense variant.
Genome position (GRCh38, 1-based): chr1:2,306,719, G>A. VCF-style: chr1-2306719-G-A. GRCh37 (hg19) VCF-style: chr1-2238158-G-A.
Other names: p.R714H:CGC>CAC; short protein forms R714H.
Identifiers: ClinVar variation 213679 (VCV000213679.40), dbSNP rs754486257, ClinGen allele CA321949.

ClinVar aggregate classification (germline): Conflicting classifications of pathogenicity. Review status: criteria provided, conflicting classifications (1 of 4 stars). 7 submissions from 7 submitters: Uncertain significance (2); Benign (1); Likely benign (2). 2 of the submissions do not count toward it. Last evaluated 2026-01-26.

Conditions:
Familial thoracic aortic aneurysm and aortic dissection (TAAD). Also called: Thoracic aortic aneurysms and dissections. Identifiers: Orphanet 91387, MedGen C4707243, MONDO:0019625.
Shprintzen-Goldberg syndrome (SGS). Also called: SHPRINTZEN-GOLDBERG CRANIOSYNOSTOSIS SYNDROME; CRANIOSYNOSTOSIS WITH ARACHNODACTYLY AND ABDOMINAL HERNIAS; Marfanoid disorder with craniosynostosis type 1; Marfanoid craniosynostosis syndrome; Shprintzen-Goldberg marfanoid syndrome. Identifiers: Orphanet 2462, MedGen C1321551, MONDO:0008426, OMIM 182212.

Allele frequency attached by ClinVar (database versions not stated): gnomAD 0.00010; gnomAD exomes 0.00012; TOPMed 0.00012; ExAC 0.00027.
gnomAD v4.1: 97 of 1,534,944 alleles (0.0063%); highest among the groups gnomAD compares: South Asian, 0.021%; no homozygotes.

Submissions (7):

Labcorp Genetics (formerly Invitae), Labcorp
Classification: Likely benign for Shprintzen-Goldberg syndrome. Last evaluated: 2026-01-26. Review status: criteria provided, single submitter. Criteria: Invitae Variant Classification Sherloc (09022015). Collection method: clinical testing. Allele origin: germline.

GeneDx
Classification: Uncertain significance. Last evaluated: 2025-09-25. Review status: criteria provided, single submitter. Criteria: GeneDx Variant Classification Process June 2021. Collection method: clinical testing. Allele origin: germline. Affected: yes.
Comment: Has not been previously published as pathogenic or benign to our knowledge; In silico analysis suggests that this missense variant does not alter protein structure/function

CeGaT Center for Human Genetics Tuebingen
Classification: Likely benign. Last evaluated: 2024-11-01. Review status: criteria provided, single submitter. Criteria: CeGaT Center For Human Genetics Tuebingen Variant Classification Criteria Version 2. Collection method: clinical testing. Allele origin: germline. Affected: yes. Observed: 4 variant alleles.
Comment: SKI: PP2, BS2

Ambry Genetics
Classification: Benign for Familial thoracic aortic aneurysm and aortic dissection. Last evaluated: 2024-10-29. Review status: criteria provided, single submitter. Criteria: Ambry Variant Classification Scheme 2023. Collection method: clinical testing. Allele origin: germline.

ARUP Laboratories, Molecular Genetics and Genomics, ARUP Laboratories
Classification: Uncertain significance for Shprintzen-Goldberg syndrome. Last evaluated: 2024-05-04. Review status: criteria provided, single submitter. Criteria: ARUP Molecular Germline Variant Investigation Process 2024. Collection method: clinical testing. Allele origin: germline.
Comment: The SKI c.2141G>A; p.Arg714His variant (rs754486257), to our knowledge, is not reported in the medical literature but is reported in ClinVar (Variation ID: 213679). This variant is found in the general population with an overall allele frequency of 0.01% (19/160504 alleles) in the Genome Aggregation Database (v2.1.1). Computational analyses predict that this variant is neutral (REVEL: 0.132). Due to limited information, the clinical significance of this variant is uncertain at this time.

Clinical Genetics DNA and cytogenetics Diagnostics Lab, Erasmus MC, Erasmus Medical Center
Classification: Likely benign. Review status: no assertion criteria provided. Collection method: clinical testing. Allele origin: germline. Affected: yes. Study: VKGL Data-share Consensus. Not counted in ClinVar's aggregate classification.

Genome Diagnostics Laboratory, Amsterdam University Medical Center
Classification: Likely benign. Review status: no assertion criteria provided. Collection method: clinical testing. Allele origin: germline. Affected: yes. Study: VKGL Data-share Consensus. Not counted in ClinVar's aggregate classification.